The following is an entry in ClinVar:

NM_001142864.4(PIEZO1):c.5272G>C (p.Val1758Leu)

Gene: PIEZO1 (piezo type mechanosensitive ion channel component 1 (Er blood group); minus strand). Cytogenetic location: 16q24.3.
Variant type: single nucleotide variant.
Coding change: c.5272G>C on transcript NM_001142864.4 (MANE Select); coding-DNA position 5272, G replaced by C.
Protein change: p.Val1758Leu; replaces valine 1758 with leucine.
Molecular consequence: missense variant.
Genome position (GRCh38, 1-based): chr16:88,721,669, C>G on the plus strand (G>C on the coding strand, the complement: PIEZO1 is on the minus strand). VCF-style: chr16-88721669-C-G. GRCh37 (hg19) VCF-style: chr16-88788077-C-G.
Other names: short protein forms V1758L.
Identifiers: ClinVar variation 1683545 (VCV001683545.2), dbSNP rs753642385, ClinGen allele CA8231922.
Genomic context (GRCh38, chr16:88,721,669, plus strand): 5'-TCTCCAGGCCCAGGATGCGGGGCGGGAAGTAGGGCTTGTTCTCGTAGCGCCGCAGCACCA[C>G]GTGGCTGTTCCAGGGGAAGAACCCAAACTGGAACAGGTACTTGACGACCACCGCGATCTG-3'
Protein context (NP_001136336.2, residues 1748-1768): QFGFFPWNSH[Val1758Leu]VLRRYENKPY

ClinVar aggregate classification (germline): Uncertain significance (1 of 4 stars; one submission).

Conditions:
Dehydrated hereditary stomatocytosis with or without pseudohyperkalemia and/or perinatal edema (DHS1). Also called: PSEUDOHYPERKALEMIA EDINBURGH; DEHYDRATED HEREDITARY STOMATOCYTOSIS AND PSEUDOHYPERKALEMIA; DEHYDRATED HEREDITARY STOMATOCYTOSIS WITH PSEUDOHYPERKALEMIA AND PERINATAL EDEMA; Pseudohyperkalemia, familial, 1, due to red cell leak; Dehydrated hereditary stomatocytosis 1 with or without pseudohyperkalemia and/or perinatal edema. Identifiers: Orphanet 3202, MedGen C4551512, MONDO:0008689, OMIM 194380.

gnomAD v4.1: 6 of 1,549,922 alleles (0.00039%); highest among the groups gnomAD compares: African/African-American, 0.0027%; no homozygotes.

Submission:

Laboratorio de Genetica e Diagnostico Molecular, Hospital Israelita Albert Einstein
Classification: Uncertain significance for Dehydrated hereditary stomatocytosis with or without pseudohyperkalemia and/or perinatal edema. Last evaluated: 2022-01-06. Review status: criteria provided, single submitter. Criteria: ACMG Guidelines, 2015. Collection method: clinical testing. Allele origin: germline. Affected: yes.
Comment: ACMG classification criteria: PM2 moderate, BP4 supporting